The following is an entry in ClinVar:

ClinVar aggregate classification (germline): Benign. Review status: criteria provided, single submitter (1 of 4 stars). 3 submissions from 3 submitters: Benign (1). 2 of the submissions do not count toward it. Last evaluated 2026-01-25.

Conditions:
OGDH-related disorder. Also called: OGDH-related condition.
Oxoglutaricaciduria. Identifiers: Orphanet 31, MedGen C2752074, MONDO:0008759, OMIM 203740.

Allele frequency attached by ClinVar (database versions not stated): TOPMed 0.00932; 1000 Genomes Project 0.00779; ESP Exome Variant Server 0.00930; gnomAD exomes 0.00095 and 0.00233; ExAC 0.00265; 1000 Genomes Project 30x 0.00765; gnomAD 0.00836 and 0.00894.
gnomAD v4.1: 2,745 of 1,614,202 alleles (0.17%); highest among the groups gnomAD compares: African/African-American, 2.9%; 49 homozygotes.

Submissions (3):

Labcorp Genetics (formerly Invitae), Labcorp
Classification: Benign for Oxoglutaricaciduria. Last evaluated: 2026-01-25. Review status: criteria provided, single submitter. Criteria: Invitae Variant Classification Sherloc (09022015). Collection method: clinical testing. Allele origin: germline.

PreventionGenetics, part of Exact Sciences
Classification: Benign for OGDH-related condition. Last evaluated: 2019-12-23. Review status: no assertion criteria provided. Collection method: clinical testing. Allele origin: germline. Not counted in ClinVar's aggregate classification.
Comment: This variant is classified as benign based on ACMG/AMP sequence variant interpretation guidelines (Richards et al. 2015 PMID: 25741868, with internal and published modifications).

Mayo Clinic Laboratories, Mayo Clinic
Classification: Benign. Last evaluated: 2017-09-15. Review status: no assertion criteria provided. Collection method: clinical testing. Allele origin: unknown. Not counted in ClinVar's aggregate classification.

NM_002541.4(OGDH):c.2784A>G (p.Thr928=)

Gene: OGDH (oxoglutarate dehydrogenase; plus strand). Cytogenetic location: 7p13.
Variant type: single nucleotide variant.
Coding change: c.2784A>G on transcript NM_002541.4 (MANE Select); coding-DNA position 2784, A replaced by G.
Protein change: p.Thr928=; no amino-acid change (threonine 928 retained).
Molecular consequence: synonymous variant.
Genome position (GRCh38, 1-based): chr7:44,707,376, A>G. VCF-style: chr7-44707376-A-G. GRCh37 (hg19) VCF-style: chr7-44746975-A-G.
Other names: c.2772A>G, p.Thr924= (NM_001165036.2); c.2817A>G, p.Thr939= (NM_001363523.2); c.2817A>G (NM_001363523.1).
Identifiers: ClinVar variation 559272 (VCV000559272.17), dbSNP rs112309751, ClinGen allele CA4244199.